The following is an entry in ClinVar:

NM_001382430.1(AKT1):c.1261C>T (p.Leu421Phe)

Gene: AKT1 (AKT serine/threonine kinase 1; minus strand). Cytogenetic location: 14q32.33.
Variant type: single nucleotide variant.
Coding change: c.1261C>T on transcript NM_001382430.1 (MANE Select); coding-DNA position 1261, C replaced by T.
Protein change: p.Leu421Phe; replaces leucine 421 with phenylalanine.
Molecular consequence: missense variant.
Genome position (GRCh38, 1-based): chr14:104,770,847, G>A on the plus strand (C>T on the coding strand, the complement: AKT1 is on the minus strand). VCF-style: chr14-104770847-G-A. GRCh37 (hg19) VCF-style: chr14-105237184-G-A.
Other names: c.1261C>T, p.Leu421Phe (NM_001014431.2, NM_001014432.2, NM_001382431.1 and 3 more transcripts); short protein forms L421F.
Identifiers: ClinVar variation 569447 (VCV000569447.8), dbSNP rs1566815164, ClinGen allele CA391214816.

ClinVar aggregate classification (germline): Uncertain significance (1 of 4 stars; one submission).

Conditions:
Cowden syndrome 6 (CWS6). Identifiers: Orphanet 201, MedGen C3554519, MONDO:0014048, OMIM 615109.

Allele frequency attached by ClinVar (database versions not stated): gnomAD exomes below 0.00001; TOPMed 0.00001.
gnomAD v4.1: 1 of 1,613,848 alleles (0.000062%); highest among the groups gnomAD compares: Non-Finnish European, 0.000085%; no homozygotes.

Submission:

Labcorp Genetics (formerly Invitae), Labcorp
Classification: Uncertain significance for Cowden syndrome 6. Last evaluated: 2018-04-17. Review status: criteria provided, single submitter. Criteria: Invitae Variant Classification Sherloc (09022015). Collection method: clinical testing. Allele origin: germline.
Comment: In summary, the available evidence is currently insufficient to determine the role of this variant in disease. Therefore, it has been classified as a Variant of Uncertain Significance. Algorithms developed to predict the effect of missense changes on protein structure and function do not agree on the potential impact of this missense change (SIFT: "Deleterious"; PolyPhen-2: "Possibly Damaging"; Align-GVGD: "Class C0"). This variant has not been reported in the literature in individuals with AKT1-related disease. This variant is not present in population databases (ExAC no frequency). This sequence change replaces leucine with phenylalanine at codon 421 of the AKT1 protein (p.Leu421Phe). The leucine residue is moderately conserved and there is a small physicochemical difference between leucine and phenylalanine.